The following is an entry in ClinVar:

NM_001098511.3(KIF2A):c.1388G>A (p.Arg463Lys)

Gene: KIF2A (kinesin family member 2A; plus strand). Cytogenetic location: 5q12.1.
Variant type: single nucleotide variant.
Coding change: c.1388G>A on transcript NM_001098511.3 (MANE Select); coding-DNA position 1388, G replaced by A.
Protein change: p.Arg463Lys; replaces arginine 463 with lysine.
Molecular consequence: missense variant.
Genome position (GRCh38, 1-based): chr5:62,363,820, G>A. VCF-style: chr5-62363820-G-A. GRCh37 (hg19) VCF-style: chr5-61659647-G-A.
Other names: c.1307G>A, p.Arg436Lys (NM_001243952.2); c.1331G>A, p.Arg444Lys (NM_001243953.2); c.1388G>A, p.Arg463Lys (NM_004520.5); short protein forms R436K, R444K, R463K.
Identifiers: ClinVar variation 3256899 (VCV003256899.1).

ClinVar aggregate classification (germline): Uncertain significance (1 of 4 stars; one submission).

Conditions:
Complex cortical dysplasia with other brain malformations 3. Identifiers: MedGen C3809414, MONDO:0014170, OMIM 615411.

Submission:

MVZ Medizinische Genetik Mainz
Classification: Uncertain significance for Complex cortical dysplasia with other brain malformations 3. Last evaluated: 2024-05-14. Review status: criteria provided, single submitter. Criteria: UK Practice Guidelines For Variant Classification V4 01 2020. Collection method: clinical testing. Allele origin: germline. Inheritance: Autosomal dominant inheritance. Affected: yes. Observed: 1 variant allele.
Comment: ACMG Criteria: PM2_SUP,PP2,PP3